The following is an entry in ClinVar:

NM_001077620.3(PRCD):c.*151A>G

Genes: CYGB (cytoglobin; minus strand), PRCD (photoreceptor disc component; plus strand). Cytogenetic location: 17q25.1.
Variant type: single nucleotide variant.
Coding change: c.*151A>G on transcript NM_001077620.3 (MANE Select); 151 bases downstream of the stop codon, A replaced by G.
Molecular consequence: 3 prime UTR variant. On other transcripts: non-coding transcript variant (1).
Genome position (GRCh38, 1-based): chr17:76,543,120, A>G. VCF-style: chr17-76543120-A-G. GRCh37 (hg19) VCF-style: chr17-74539202-A-G.
Identifiers: ClinVar variation 440190 (VCV000440190.8), dbSNP rs993077289, ClinGen allele CA294201783.
Genomic context (GRCh38, chr17:76,543,120, plus strand): 5'-GGATGCTGTGGGAGCTGCAGCAGCGGCAAGAGGGAGAATGGGGGGAAGCAGCACTAGAGA[A>G]GGTAGACGCCTCCCTCTCAGCCCGGGACCTGCCAGTCTCCCCTTCCCCCAGGCCCTGGGT-3'

ClinVar aggregate classification (germline): Likely benign (1 of 4 stars; one submission).

Allele frequency attached by ClinVar (database versions not stated): gnomAD exomes below 0.00001; gnomAD 0.00001.
gnomAD v4.1: 2 of 470,906 alleles (0.00042%); highest among the groups gnomAD compares: Admixed American, 0.0024%; no homozygotes.

Submission:

ARUP Laboratories, Molecular Genetics and Genomics, ARUP Laboratories
Classification: Likely benign. Last evaluated: 2017-05-05. Review status: criteria provided, single submitter. Criteria: ARUP Molecular Germline Variant Investigation Process. Collection method: clinical testing. Allele origin: germline.
Comment: The PRCD c.*151A>G variant has not been published in the medical literature, in gene-specific databases, or in the ClinVar database. The variant is not listed in the dbSNP variant database or in the general population-based databases. The nucleotide at this position is well conserved across species and the result of this substitution cannot be determined with certainty. Because this is a 3'UTR variant in a region without known regulatory elements, we consider this variant likely benign.